The following is an entry in ClinVar:

ClinVar aggregate classification (germline): Uncertain significance (1 of 4 stars; one submission).

Conditions:
Spondyloepimetaphyseal dysplasia, PAPSS2 type. Also called: SEMD, PAKISTANI TYPE; BRACHYOLMIA TYPE 4 WITH MILD EPIPHYSEAL AND METAPHYSEAL CHANGES; SPONDYLODYSPLASIA AND PREMATURE PUBARCHE. Identifiers: Orphanet 93282, MedGen C2748516, MONDO:0019666, OMIM 612847.

Allele frequency attached by ClinVar (database versions not stated): gnomAD 0.00005; TOPMed 0.00010; ExAC 0.00012.
gnomAD v4.1: 57 of 1,613,880 alleles (0.0035%); highest among the groups gnomAD compares: East Asian, 0.06%; 1 homozygote.

Submission:

Labcorp Genetics (formerly Invitae), Labcorp
Classification: Uncertain significance for Spondyloepimetaphyseal dysplasia, PAPSS2 type. Last evaluated: 2022-05-25. Review status: criteria provided, single submitter. Criteria: Invitae Variant Classification Sherloc (09022015). Collection method: clinical testing. Allele origin: germline.
Comment: In summary, the available evidence is currently insufficient to determine the role of this variant in disease. Therefore, it has been classified as a Variant of Uncertain Significance. Algorithms developed to predict the effect of missense changes on protein structure and function are either unavailable or do not agree on the potential impact of this missense change (SIFT: "Deleterious"; PolyPhen-2: "Probably Damaging"; Align-GVGD: "Class C0"). This variant has not been reported in the literature in individuals affected with PAPSS2-related conditions. This variant is present in population databases (rs760788590, gnomAD 0.2%), including at least one homozygous and/or hemizygous individual. This sequence change replaces arginine, which is basic and polar, with cysteine, which is neutral and slightly polar, at codon 133 of the PAPSS2 protein (p.Arg133Cys).

NM_001015880.2(PAPSS2):c.397C>T (p.Arg133Cys)

Gene: PAPSS2 (3'-phosphoadenosine 5'-phosphosulfate synthase 2; plus strand). Cytogenetic location: 10q23.31.
Variant type: single nucleotide variant.
Coding change: c.397C>T on transcript NM_001015880.2 (MANE Select); coding-DNA position 397, C replaced by T.
Protein change: p.Arg133Cys; replaces arginine 133 with cysteine.
Molecular consequence: missense variant.
Genome position (GRCh38, 1-based): chr10:87,714,059, C>T. VCF-style: chr10-87714059-C-T. GRCh37 (hg19) VCF-style: chr10-89473816-C-T.
Other names: c.397C>T, p.Arg133Cys (NM_004670.4); short protein forms R133C.
Identifiers: ClinVar variation 2063684 (VCV002063684.2), dbSNP rs760788590, ClinGen allele CA5589457.